The following is an entry in ClinVar:

NM_001015877.2(PHF6):c.834+109T>C

Gene: PHF6 (PHD finger protein 6; plus strand). Cytogenetic location: Xq26.2.
Variant type: single nucleotide variant.
Coding change: c.834+109T>C on transcript NM_001015877.2 (MANE Select); 109 bases into the intron after coding-DNA position 834, T replaced by C.
Molecular consequence: intron variant. On other transcripts: 3 prime UTR variant (1).
Genome position (GRCh38, 1-based): chrX:134,415,229, T>C. VCF-style: chrX-134415229-T-C. GRCh37 (hg19) VCF-style: chrX-133549259-T-C.
Other names: c.*7T>C (NM_032335.3); c.834+109T>C (NM_032458.3).
Identifiers: ClinVar variation 3049246 (VCV003049246.2), dbSNP rs751688121, ClinGen allele CA10521268.
Genomic context (GRCh38, chrX:134,415,229, plus strand): 5'-TTTAAATTTAGAGTACATCCCAAATTTATCCAGTCATCAGAAAATTTAAAGTAGTTCGTA[T>C]GTTAAAGCAAAGTATATATTTGACTTATTTGTAATATAATAAAGGATGCTGATGTTACTG-3'

ClinVar aggregate classification (germline): Likely benign (0 of 4 stars; one submission).

Conditions:
PHF6-related disorder. Also called: PHF6-related condition.

Allele frequency attached by ClinVar (database versions not stated): gnomAD 0.00002; TOPMed 0.00002; ExAC 0.00006; 1000 Genomes Project 30x 0.00021; 1000 Genomes Project 0.00026.
gnomAD v4.1: 50 of 1,163,173 alleles (0.0043%); highest among the groups gnomAD compares: South Asian, 0.048%; no homozygotes.

Submission:

PreventionGenetics, part of Exact Sciences
Classification: Likely benign for PHF6-related condition. Last evaluated: 2022-02-27. Review status: no assertion criteria provided. Collection method: clinical testing. Allele origin: germline.
Comment: This variant is classified as likely benign based on ACMG/AMP sequence variant interpretation guidelines (Richards et al. 2015 PMID: 25741868, with internal and published modifications).